The following is an entry in ClinVar:

NC_000015.9:g.(?_26792940)_(27018109_?)dup

Gene: GABRB3 (gamma-aminobutyric acid type A receptor subunit beta3; minus strand). Cytogenetic location: 15q12.
Variant type: Duplication.
Identifiers: ClinVar variation 1062435 (VCV001062435.2).

ClinVar aggregate classification (germline): Uncertain significance (1 of 4 stars; one submission).

Conditions:
Epilepsy, childhood absence, susceptibility to, 5. Identifiers: Orphanet 64280, MedGen C2677087, MONDO:0012843, OMIM 612269.
Epilepsy, childhood absence, susceptibility to, 1. Also called: Epilepsy, childhood absence 1. Identifiers: Orphanet 64280, MedGen C1838604, MONDO:0020759, OMIM 600131.

Submission:

Labcorp Genetics (formerly Invitae), Labcorp
Classification: Uncertain significance for Epilepsy, childhood absence, susceptibility to, 5; Epilepsy, childhood absence, susceptibility to, 1. Last evaluated: 2021-07-28. Review status: criteria provided, single submitter. Criteria: Invitae Variant Classification Sherloc (09022015). Collection method: clinical testing. Allele origin: germline.
Comment: A copy number gain of the genomic region encompassing the full coding sequence of the GABRB3 gene has been identified. The boundaries of this event are unknown as they extend beyond the assayed region for this gene and therefore may encompass additional genes. As the precise location of this event is unknown, it may be in tandem or it may be located elsewhere in the genome. Isolated whole-gene copy number gains of GABRB3 have not been reported in the literature. However, larger copy number events that include this gene have been reported (PMID: 26068938). In summary, the available evidence is currently insufficient to determine the role of this variant in disease. Therefore, it has been classified as a Variant of Uncertain Significance.

Literature cited by the submitters: PubMed 26068938.